The following is an entry in ClinVar:

NM_022124.6(CDH23):c.1003A>G (p.Asn335Asp)

Gene: CDH23 (cadherin related 23; plus strand). Cytogenetic location: 10q22.1.
Variant type: single nucleotide variant.
Coding change: c.1003A>G on transcript NM_022124.6 (MANE Select); coding-DNA position 1003, A replaced by G.
Protein change: p.Asn335Asp; replaces asparagine 335 with aspartic acid.
Molecular consequence: missense variant.
Genome position (GRCh38, 1-based): chr10:71,617,262, A>G. VCF-style: chr10-71617262-A-G. GRCh37 (hg19) VCF-style: chr10-73377019-A-G.
Other names: c.1003A>G, p.Asn335Asp (NM_001171930.2, NM_001171931.2, NM_001171932.2 and 1 more transcripts); short protein forms N335D.
Identifiers: ClinVar variation 1450863 (VCV001450863.3), dbSNP rs1256059964, ClinGen allele CA377122201.

ClinVar aggregate classification (germline): Uncertain significance (1 of 4 stars; one submission).

Allele frequency attached by ClinVar (database versions not stated): gnomAD exomes below 0.00001 and 0.00001.
gnomAD v4.1: 3 of 1,613,978 alleles (0.00019%); highest among the groups gnomAD compares: Non-Finnish European, 0.00025%; no homozygotes.

Submission:

Labcorp Genetics (formerly Invitae), Labcorp
Classification: Uncertain significance. Last evaluated: 2021-11-26. Review status: criteria provided, single submitter. Criteria: Invitae Variant Classification Sherloc (09022015). Collection method: clinical testing. Allele origin: germline.
Comment: This sequence change replaces asparagine, which is neutral and polar, with aspartic acid, which is acidic and polar, at codon 335 of the CDH23 protein (p.Asn335Asp). This variant is present in population databases (no rsID available, gnomAD 0.0009%). This variant has not been reported in the literature in individuals affected with CDH23-related conditions. Algorithms developed to predict the effect of missense changes on protein structure and function are either unavailable or do not agree on the potential impact of this missense change (SIFT: "Deleterious"; PolyPhen-2: "Not Available"; Align-GVGD: "Class C15"). In summary, the available evidence is currently insufficient to determine the role of this variant in disease. Therefore, it has been classified as a Variant of Uncertain Significance.